The following is an entry in ClinVar:

NM_000219.6(KCNE1):c.95G>C (p.Arg32Pro)

Gene: KCNE1 (potassium voltage-gated channel subfamily E regulatory subunit 1; minus strand). Cytogenetic location: 21q22.12.
Variant type: single nucleotide variant.
Coding change: c.95G>C on transcript NM_000219.6 (MANE Select); coding-DNA position 95, G replaced by C.
Protein change: p.Arg32Pro; replaces arginine 32 with proline.
Molecular consequence: missense variant.
Genome position (GRCh38, 1-based): chr21:34,449,540, C>G on the plus strand (G>C on the coding strand, the complement: KCNE1 is on the minus strand). VCF-style: chr21-34449540-C-G. GRCh37 (hg19) VCF-style: chr21-35821838-C-G.
Other names: c.95G>C, p.Arg32Pro (NM_001127668.4, NM_001127669.4, NM_001127670.4 and 4 more transcripts); short protein forms R32P.
Identifiers: ClinVar variation 3374033 (VCV003374033.4).

ClinVar aggregate classification (germline): Uncertain significance (1 of 4 stars; one submission).

Conditions:
Long QT syndrome (LQTS). Identifiers: MedGen C0023976, MeSH D008133, MONDO:0002442. Disease mechanism: loss of function. Inheritance: Various modes of inheritance.

Submissions (2):

Labcorp Genetics (formerly Invitae), Labcorp
Classification: Uncertain significance for Long QT syndrome. Last evaluated: 2024-05-07. Review status: criteria provided, single submitter. Criteria: Invitae Variant Classification Sherloc (09022015). Collection method: clinical testing. Allele origin: germline.
Comment: This sequence change replaces arginine, which is basic and polar, with proline, which is neutral and non-polar, at codon 32 of the KCNE1 protein (p.Arg32Pro). This variant is not present in population databases (gnomAD no frequency). This variant has not been reported in the literature in individuals affected with KCNE1-related conditions. Advanced modeling of protein sequence and biophysical properties (such as structural, functional, and spatial information, amino acid conservation, physicochemical variation, residue mobility, and thermodynamic stability) has been performed at Invitae for this missense variant, however the output from this modeling did not meet the statistical confidence thresholds required to predict the impact of this variant on KCNE1 protein function. In summary, the available evidence is currently insufficient to determine the role of this variant in disease. Therefore, it has been classified as a Variant of Uncertain Significance.

Roden Lab, Vanderbilt University Medical Center
No classification provided (evidence only). Condition: Long QT syndrome 5. Review status: no classification provided. Collection method: in vitro. Allele origin: not applicable. Functional consequence: Effect on ion channel function. Not counted in ClinVar's aggregate classification.
ClinVar note: "not provided" was previously submitted as the classification for the variant. However, the classification appeared to be based only on an observation of functional data so it was converted to no classification on 2025-07-30.